The following is an entry in ClinVar:

ClinVar aggregate classification (germline): Uncertain significance (1 of 4 stars; one submission).

Allele frequency attached by ClinVar (database versions not stated): TOPMed 0.00001; ExAC 0.00002; 1000 Genomes Project 30x 0.00016; 1000 Genomes Project 0.00020.
gnomAD v4.1: 9 of 1,610,284 alleles (0.00056%); highest among the groups gnomAD compares: African/African-American, 0.0013%; no homozygotes.

Submission:

Labcorp Genetics (formerly Invitae), Labcorp
Classification: Uncertain significance. Last evaluated: 2022-11-08. Review status: criteria provided, single submitter. Criteria: Invitae Variant Classification Sherloc (09022015). Collection method: clinical testing. Allele origin: germline.
Comment: In summary, the available evidence is currently insufficient to determine the role of this variant in disease. Therefore, it has been classified as a Variant of Uncertain Significance. Advanced modeling of protein sequence and biophysical properties (such as structural, functional, and spatial information, amino acid conservation, physicochemical variation, residue mobility, and thermodynamic stability) performed at Invitae indicates that this missense variant is not expected to disrupt GFM2 protein function. ClinVar contains an entry for this variant (Variation ID: 1354067). This variant has not been reported in the literature in individuals affected with GFM2-related conditions. This variant is present in population databases (rs201950341, gnomAD 0.002%). This sequence change replaces isoleucine, which is neutral and non-polar, with valine, which is neutral and non-polar, at codon 226 of the GFM2 protein (p.Ile226Val).

NM_032380.5(GFM2):c.676A>G (p.Ile226Val)

Gene: GFM2 (GTP dependent ribosome recycling factor mitochondrial 2; minus strand). Cytogenetic location: 5q13.3.
Variant type: single nucleotide variant.
Coding change: c.676A>G on transcript NM_032380.5 (MANE Select); coding-DNA position 676, A replaced by G.
Protein change: p.Ile226Val; replaces isoleucine 226 with valine.
Molecular consequence: missense variant. On other transcripts: non-coding transcript variant (1).
Genome position (GRCh38, 1-based): chr5:74,745,851, T>C on the plus strand (A>G on the coding strand, the complement: GFM2 is on the minus strand). VCF-style: chr5-74745851-T-C. GRCh37 (hg19) VCF-style: chr5-74041676-T-C.
Other names: c.772A>G, p.Ile258Val (NM_001281302.2); c.676A>G, p.Ile226Val (NM_170681.3, NM_170691.3); short protein forms I226V, I258V.
Identifiers: ClinVar variation 1354067 (VCV001354067.8), dbSNP rs201950341, ClinGen allele CA3306708.